The following is an entry in ClinVar:

ClinVar aggregate classification (germline): Likely pathogenic (1 of 4 stars; one submission).

Conditions:
Basal cell nevus syndrome 1 (BCNS1). Also called: GORLIN-GOLTZ SYNDROME; MULTIPLE BASAL CELL NEVI, ODONTOGENIC KERATOCYSTS, AND SKELETAL ANOMALIES. Identifiers: MedGen CN376810, MONDO:0958174, OMIM 109400.

Submission:

3billion
Classification: Likely pathogenic for Basal cell nevus syndrome 1. Last evaluated: 2024-08-22. Review status: criteria provided, single submitter. Criteria: ACMG Guidelines, 2015. Collection method: clinical testing. Allele origin: germline. Affected: yes.
Comment: The variant is not observed in the gnomAD v4.0.0 dataset. Predicted Consequence/Location: Frameshift: predicted to result in a loss or disruption of normal protein function through nonsense-mediated decay (NMD) or protein truncation. Multiple pathogenic variants are reported downstream of the variant. Therefore, this variant is classified as Likely pathogenic according to the recommendation of ACMG/AMP guideline.

NM_000264.5(PTCH1):c.4006_4015del (p.Arg1336fs)

Gene: PTCH1 (patched 1; minus strand). Cytogenetic location: 9q22.32.
Variant type: Deletion.
Coding change: c.4006_4015del on transcript NM_000264.5 (MANE Select); coding-DNA positions 4006 to 4015, 10 bases deleted (AGGGCCCGCT; older notation c.4006_4015delAGGGCCCGCT).
Protein change: p.Arg1336fs; shifts the reading frame from arginine 1336.
Molecular consequence: frameshift variant. On other transcripts: non-coding transcript variant (1).
Genome position (GRCh38, 1-based): chr9:95,447,241-95,447,250, AGCGGGCCCT deleted on the plus strand (AGGGCCCGCT on the coding strand, the reverse complement: PTCH1 is on the minus strand); deleting any 10 consecutive bases within chr9:95,447,241-95,447,251 gives the same sequence; the c. name uses the placement nearest the transcript's 3' end. VCF-style (leftmost placement, unchanged base first): chr9-95447240-CAGCGGGCCCT-C. GRCh37 (hg19) VCF-style: chr9-98209522-CAGCGGGCCCT-C.
Other names: c.3808_3817del, p.Arg1270fs (NM_001083602.3); c.4003_4012del, p.Arg1335fs (NM_001083603.3); c.3553_3562del, p.Arg1185fs (NM_001083604.3, NM_001083605.3, NM_001083606.3 and 1 more transcripts); c.3850_3859del, p.Arg1284fs (NM_001354918.2); short protein forms R1185fs, R1270fs, R1284fs, R1335fs, R1336fs.
Identifiers: ClinVar variation 4293963 (VCV004293963.1).